The following is an entry in ClinVar:

ClinVar aggregate classification (germline): Uncertain significance. Review status: criteria provided, multiple submitters, no conflicts (2 of 4 stars). 2 submissions from 2 submitters: Uncertain significance (2). Last evaluated 2024-06-26.

Conditions:
Hereditary cancer-predisposing syndrome. Also called: Hereditary neoplastic syndrome; Neoplastic Syndromes, Hereditary; Hereditary Cancer Syndrome; Tumor predisposition. Identifiers: Orphanet 140162, MedGen C0027672, MeSH D009386, MONDO:0015356.

Allele frequency attached by ClinVar (database versions not stated): gnomAD exomes below 0.00001.

Submissions (2):

Ambry Genetics
Classification: Uncertain significance for Hereditary cancer-predisposing syndrome. Last evaluated: 2024-06-26. Review status: criteria provided, single submitter. Criteria: Ambry Variant Classification Scheme 2023. Collection method: clinical testing. Allele origin: germline.
Comment: The p.C633Y variant (also known as c.1898G>A), located in coding exon 12 of the RAD50 gene, results from a G to A substitution at nucleotide position 1898. The cysteine at codon 633 is replaced by tyrosine, an amino acid with highly dissimilar properties. This amino acid position is conserved. In addition, the in silico prediction for this alteration is inconclusive. Since supporting evidence is limited at this time, the clinical significance of this alteration remains unclear.

Labcorp Genetics (formerly Invitae), Labcorp
Classification: Uncertain significance for Hereditary cancer-predisposing syndrome. Last evaluated: 2022-10-08. Review status: criteria provided, single submitter. Criteria: Invitae Variant Classification Sherloc (09022015). Collection method: clinical testing. Allele origin: germline.
Comment: In summary, the available evidence is currently insufficient to determine the role of this variant in disease. Therefore, it has been classified as a Variant of Uncertain Significance. Advanced modeling of protein sequence and biophysical properties (such as structural, functional, and spatial information, amino acid conservation, physicochemical variation, residue mobility, and thermodynamic stability) performed at Invitae indicates that this missense variant is expected to disrupt RAD50 protein function. This variant has not been reported in the literature in individuals affected with RAD50-related conditions. This variant is present in population databases (no rsID available, gnomAD 0.004%). This sequence change replaces cysteine, which is neutral and slightly polar, with tyrosine, which is neutral and polar, at codon 633 of the RAD50 protein (p.Cys633Tyr).

NM_005732.4(RAD50):c.1898G>A (p.Cys633Tyr)

Gene: RAD50 (RAD50 double strand break repair protein; plus strand). Cytogenetic location: 5q31.1.
Variant type: single nucleotide variant.
Coding change: c.1898G>A on transcript NM_005732.4 (MANE Select); coding-DNA position 1898, G replaced by A.
Protein change: p.Cys633Tyr; replaces cysteine 633 with tyrosine.
Molecular consequence: missense variant.
Genome position (GRCh38, 1-based): chr5:132,594,973, G>A. VCF-style: chr5-132594973-G-A. GRCh37 (hg19) VCF-style: chr5-131930665-G-A.
Other names: short protein forms C633Y.
Identifiers: ClinVar variation 1721276 (VCV001721276.9), dbSNP rs1252410157, ClinGen allele CA360948058.